The following is an entry in ClinVar:

ClinVar aggregate classification (germline): Uncertain significance (1 of 4 stars; one submission).

Submission:

GeneDx
Classification: Uncertain significance. Last evaluated: 2026-04-16. Review status: criteria provided, single submitter. Criteria: GeneDx Variant Classification Process June 2021. Collection method: clinical testing. Allele origin: germline.
Comment: Not observed at significant frequency in large population cohorts (gnomAD); Has not been previously published as pathogenic or benign to our knowledge; In silico analysis is inconclusive as to whether the variant alters gene splicing. In the absence of RNA/functional studies, the actual effect of this sequence change is unknown.

NM_016239.4(MYO15A):c.10492-12T>G

Gene: MYO15A (myosin XVA; plus strand). Cytogenetic location: 17p11.2.
Variant type: single nucleotide variant.
Coding change: c.10492-12T>G on transcript NM_016239.4 (MANE Select); 12 bases into the intron before coding-DNA position 10492, T replaced by G.
Molecular consequence: intron variant.
Genome position (GRCh38, 1-based): chr17:18,178,757, T>G. VCF-style: chr17-18178757-T-G. GRCh37 (hg19) VCF-style: chr17-18082071-T-G.
Identifiers: ClinVar variation 5037157 (VCV005037157.1).
Genomic context (GRCh38, chr17:18,178,757, plus strand): 5'-TCTGTACTTCCCACCCCAAGGTAAGAGCTGGGGAAGTGTTGGATGGGCGTGGACTGTCAC[T>G]GTCACCTGCAGGGACTGGAACTGTGTCGTGTGGTGGCCGTGCACGTGGAGAACCTGCTCA-3'